The following is an entry in ClinVar:

ClinVar aggregate classification (germline): Uncertain significance. Review status: criteria provided, multiple submitters, no conflicts (2 of 4 stars). 3 submissions from 3 submitters: Uncertain significance (3). Last evaluated 2025-11-02.

Conditions:
Inborn genetic diseases. Identifiers: MedGen C0950123, MeSH D030342.
Syndromic X-linked intellectual disability Najm type (MICPCH). Also called: Mental retardation and microcephaly with pontine and cerebellar hypoplasia; MENTAL RETARDATION, X-LINKED, SYNDROMIC, NAJM TYPE; MICPCH SYNDROME; Intellectual developmental disorder and microcephaly with pontine and cerebellar hypoplasia; Intellectual Disability and Microcephaly with Pontine and Cerebellar Hypoplasia (MICPCH); Intellectual Disability and Microcephaly with Pontine and Cerebellar Hypoplasia. Identifiers: Orphanet 163937, MedGen C2677903, MONDO:0010417, OMIM 300749.
Intellectual disability, CASK-related, X-linked. Identifiers: MedGen CN043158.

Allele frequency attached by ClinVar (database versions not stated): gnomAD exomes below 0.00001 and 0.00001.
gnomAD v4.1: 5 of 1,209,285 alleles (0.00041%); highest among the groups gnomAD compares: Admixed American, 0.0022%; no homozygotes.

Submissions (3):

Clinical Genomics Laboratory, Washington University in St. Louis
Classification: Uncertain significance for Syndromic X-linked intellectual disability Najm type. Last evaluated: 2025-11-02. Review status: criteria provided, single submitter. Criteria: ACMG Guidelines, 2015. Collection method: clinical testing. Allele origin: germline.
Comment: The CASK c.661G>A (p.Gly221Arg) variant, to our knowledge, has not been reported in the medical literature. This variant has been reported in the ClinVar database as a germline variant of uncertain significance by two submitters. This variant is only observed in 1/180,641 alleles, including one hemizygous individual, in the general population (gnomAD v.2.1.1), indicating it is not a common variant. Computational predictors indicate that the variant is damaging, evidence that correlates with impact to CASK function. Due to limited information, and based on ACMG/AMP guidelines for variant interpretation (Richards S et al., PMID: 25741868), the clinical significance of this variant is uncertain at this time.

Labcorp Genetics (formerly Invitae), Labcorp
Classification: Uncertain significance for Intellectual disability, CASK-related, X-linked. Last evaluated: 2022-11-12. Review status: criteria provided, single submitter. Criteria: Invitae Variant Classification Sherloc (09022015). Collection method: clinical testing. Allele origin: germline.
Comment: ClinVar contains an entry for this variant (Variation ID: 965730). This variant has not been reported in the literature in individuals affected with CASK-related conditions. The frequency data for this variant in the population databases is considered unreliable, as metrics indicate poor data quality at this position in the gnomAD database. This sequence change replaces glycine, which is neutral and non-polar, with arginine, which is basic and polar, at codon 221 of the CASK protein (p.Gly221Arg). Advanced modeling of protein sequence and biophysical properties (such as structural, functional, and spatial information, amino acid conservation, physicochemical variation, residue mobility, and thermodynamic stability) has been performed at Invitae for this missense variant, however the output from this modeling did not meet the statistical confidence thresholds required to predict the impact of this variant on CASK protein function. In summary, the available evidence is currently insufficient to determine the role of this variant in disease. Therefore, it has been classified as a Variant of Uncertain Significance. Algorithms developed to predict the effect of sequence changes on RNA splicing suggest that this variant may create or strengthen a splice site.

Ambry Genetics
Classification: Uncertain significance for Inborn genetic diseases. Last evaluated: 2017-07-28. Review status: criteria provided, single submitter. Criteria: Ambry Variant Classification Scheme 2023. Collection method: clinical testing. Allele origin: germline.
Comment: The p.G221R variant (also known as c.661G>A), located in coding exon 7 of the CASK gene, results from a G to A substitution at nucleotide position 661. The glycine at codon 221 is replaced by arginine, an amino acid with dissimilar properties. This amino acid position is highly conserved in available vertebrate species. In addition, this alteration is predicted to be deleterious by in silico analysis. Since supporting evidence is limited at this time, the clinical significance of this alteration remains unclear.

NM_001367721.1(CASK):c.661G>A (p.Gly221Arg)

Gene: CASK (calcium/calmodulin dependent serine protein kinase; minus strand). Cytogenetic location: Xp11.4.
Variant type: single nucleotide variant.
Coding change: c.661G>A on transcript NM_001367721.1 (MANE Select); coding-DNA position 661, G replaced by A.
Protein change: p.Gly221Arg; replaces glycine 221 with arginine.
Molecular consequence: missense variant.
Genome position (GRCh38, 1-based): chrX:41,665,324, C>T on the plus strand (G>A on the coding strand, the complement: CASK is on the minus strand). VCF-style: chrX-41665324-C-T. GRCh37 (hg19) VCF-style: chrX-41524577-C-T.
Other names: c.661G>A, p.Gly221Arg (NM_001126054.3, NM_001126055.3, NM_001410745.1 and 1 more transcripts); short protein forms G221R.
Identifiers: ClinVar variation 965730 (VCV000965730.12), dbSNP rs1256169792, ClinGen allele CA412997810.
Genomic context (GRCh38, chrX:41,665,324, plus strand): 5'-CATGATGCATTACCTTATATTTTCCTTTAATAATGCCTTCAAACAATCTTTCCTTGGTTC[C>T]GTAAAAAGGCAAACAACCACTGAGCAGGATAAAAAGGATCACACCGCACCCCCAGACGTC-3'
Protein context (NP_001354650.1, residues 211-231): ILLSGCLPFY[Gly221Arg]TKERLFEGII